The following is an entry in ClinVar:

ClinVar aggregate classification (germline): Benign/Likely benign. Review status: criteria provided, multiple submitters, no conflicts (2 of 4 stars). 3 submissions from 3 submitters: Benign (1); Likely benign (2). Last evaluated 2026-04-13.

Conditions:
VPS13C-related disorder. Also called: VPS13C-related condition.

Allele frequency attached by ClinVar (database versions not stated): gnomAD exomes 0.00018 and 0.00044; ExAC 0.00055; gnomAD 0.00107 and 0.00115; TOPMed 0.00111; ESP Exome Variant Server 0.00161; 1000 Genomes Project 0.00200; 1000 Genomes Project 30x 0.00219.
gnomAD v4.1: 423 of 1,613,444 alleles (0.026%); highest among the groups gnomAD compares: African/African-American, 0.37%; 1 homozygote.

Submissions (3):

PreventionGenetics, part of Exact Sciences
Classification: Likely benign for VPS13C-related condition. Last evaluated: 2026-04-13. Review status: criteria provided, single submitter. Criteria: ACMG Guidelines, 2015. Collection method: clinical testing. Allele origin: germline.
Comment: This variant is classified as likely benign based on ACMG/AMP sequence variant interpretation guidelines (Richards et al. 2015 PMID: 25741868, with internal and published modifications).

Labcorp Genetics (formerly Invitae), Labcorp
Classification: Benign. Last evaluated: 2025-12-22. Review status: criteria provided, single submitter. Criteria: Invitae Variant Classification Sherloc (09022015). Collection method: clinical testing. Allele origin: germline.

Blueprint Genetics
Classification: Likely benign. Last evaluated: 2023-12-12. Review status: criteria provided, single submitter. Criteria: ACMG Guidelines, 2015. Collection method: clinical testing. Allele origin: germline.

NM_020821.3(VPS13C):c.4710C>T (p.Ser1570=)

Gene: VPS13C (vacuolar protein sorting 13 homolog C; minus strand). Cytogenetic location: 15q22.2.
Variant type: single nucleotide variant.
Coding change: c.4710C>T on transcript NM_020821.3 (MANE Select); coding-DNA position 4710, C replaced by T.
Protein change: p.Ser1570=; no amino-acid change (serine 1570 retained).
Molecular consequence: synonymous variant.
Genome position (GRCh38, 1-based): chr15:61,949,492, G>A on the plus strand (C>T on the coding strand, the complement: VPS13C is on the minus strand). VCF-style: chr15-61949492-G-A. GRCh37 (hg19) VCF-style: chr15-62241691-G-A.
Other names: c.4710C>T, p.Ser1570= (NM_001018088.3); c.4581C>T, p.Ser1527= (NM_017684.5, NM_018080.4).
Identifiers: ClinVar variation 709147 (VCV000709147.11), dbSNP rs140087267, ClinGen allele CA7596017.
Genomic context (GRCh38, chr15:61,949,492, plus strand): 5'-AAAATTATTACCAGCTTTGACAGCGATACTTCTGGACTCCCCCACAAGTGGTTTCAGCTC[G>A]GATTCCTTCTCAGAAGAGGAAGGCTCAGAGAATGGAGCAGCAGATGATAAAAAATCCATG-3'
Protein context (NP_065872.1, residues 1560-1580): FSEPSSSEKE[Ser1570=]ELKPLVGESR